The following is an entry in ClinVar:

ClinVar aggregate classification (germline): Pathogenic (1 of 4 stars; one submission).

Conditions:
PHGDH deficiency. Identifiers: Orphanet 79351, MedGen C1866174, MONDO:0011152, OMIM 601815.

Allele frequency attached by ClinVar (database versions not stated): gnomAD exomes below 0.00001; TOPMed 0.00001.

Submission:

Labcorp Genetics (formerly Invitae), Labcorp
Classification: Pathogenic for PHGDH deficiency. Last evaluated: 2022-07-14. Review status: criteria provided, single submitter. Criteria: Invitae Variant Classification Sherloc (09022015). Collection method: clinical testing. Allele origin: germline.
Comment: This sequence change creates a premature translational stop signal (p.Glu40*) in the PHGDH gene. It is expected to result in an absent or disrupted protein product. Loss-of-function variants in PHGDH are known to be pathogenic (PMID: 14645240, 24836451). This variant is not present in population databases (gnomAD no frequency). This variant has not been reported in the literature in individuals affected with PHGDH-related conditions. ClinVar contains an entry for this variant (Variation ID: 1410064). For these reasons, this variant has been classified as Pathogenic.

Literature cited by the submitters: PubMed 14645240; PubMed 24836451.

NM_006623.4(PHGDH):c.118G>T (p.Glu40Ter)

Gene: PHGDH (phosphoglycerate dehydrogenase; plus strand). Cytogenetic location: 1p12.
Variant type: single nucleotide variant.
Coding change: c.118G>T on transcript NM_006623.4 (MANE Select); coding-DNA position 118, G replaced by T.
Protein change: p.Glu40Ter; replaces glutamic acid 40 with a stop codon.
Molecular consequence: nonsense.
Genome position (GRCh38, 1-based): chr1:119,712,140, G>T. VCF-style: chr1-119712140-G-T. GRCh37 (hg19) VCF-style: chr1-120254763-G-T.
Other names: short protein forms E40*.
Identifiers: ClinVar variation 1410064 (VCV001410064.6), dbSNP rs1650721954, ClinGen allele CA341415114.